The following is an entry in ClinVar:

ClinVar aggregate classification (germline): Benign/Likely benign. Review status: criteria provided, multiple submitters, no conflicts (2 of 4 stars). 3 submissions from 3 submitters: Benign (1); Likely benign (2). Last evaluated 2026-09-29.

Conditions:
Neurofibromatosis, type 1 (NF1). Also called: Neurofibromatosis, type I; VON RECKLINGHAUSEN DISEASE; Peripheral type neurofibromatosis; NEUROFIBROMATOSIS, TYPE I, SOMATIC. Identifiers: Orphanet 636, MedGen C0027831, MONDO:0018975, OMIM 162200. Disease mechanism: loss of function.
Cardiovascular phenotype. Identifiers: MedGen CN230736.
Hereditary cancer-predisposing syndrome. Also called: Hereditary Cancer Syndrome; Hereditary neoplastic syndrome; Neoplastic Syndromes, Hereditary; Tumor predisposition. Identifiers: Orphanet 140162, MedGen C0027672, MeSH D009386, MONDO:0015356.

Allele frequency attached by ClinVar (database versions not stated): gnomAD exomes 0.00001 and below 0.00001; TOPMed below 0.00001.
gnomAD v4.1: 2 of 1,614,142 alleles (0.00012%); highest among the groups gnomAD compares: African/African-American, 0.0027%; no homozygotes.

Submissions (3):

Myriad Genetics, Inc.
Classification: Benign for Neurofibromatosis, type 1. Last evaluated: 2026-09-29. Review status: criteria provided, single submitter. Criteria: Myriad Autosomal Dominant, Autosomal Recessive and X-Linked Classification Criteria (2023). Collection method: clinical testing. Allele origin: unknown.
Comment: This variant is considered benign. This variant is a silent/synonymous amino acid change and it is not expected to impact splicing.

Labcorp Genetics (formerly Invitae), Labcorp
Classification: Likely benign for Neurofibromatosis, type 1. Last evaluated: 2024-08-08. Review status: criteria provided, single submitter. Criteria: Invitae Variant Classification Sherloc (09022015). Collection method: clinical testing. Allele origin: germline.

Ambry Genetics
Classification: Likely benign for Cardiovascular phenotype; Hereditary cancer-predisposing syndrome. Last evaluated: 2020-01-16. Review status: criteria provided, single submitter. Criteria: Ambry Variant Classification Scheme 2023. Collection method: clinical testing. Allele origin: germline.

NM_001042492.3(NF1):c.7014T>C (p.Leu2338=)

Gene: NF1 (neurofibromin 1; plus strand). Cytogenetic location: 17q11.2.
Variant type: single nucleotide variant.
Coding change: c.7014T>C on transcript NM_001042492.3 (MANE Select); coding-DNA position 7014, T replaced by C.
Protein change: p.Leu2338=; no amino-acid change (leucine 2338 retained).
Molecular consequence: synonymous variant.
Genome position (GRCh38, 1-based): chr17:31,340,597, T>C. VCF-style: chr17-31340597-T-C. GRCh37 (hg19) VCF-style: chr17-29667615-T-C.
Other names: c.6951T>C, p.Leu2317= (NM_000267.4).
Identifiers: ClinVar variation 1109651 (VCV001109651.10), dbSNP rs1309666510, ClinGen allele CA499235347.